The following is an entry in ClinVar:

NM_002691.4(POLD1):c.2630A>T (p.Asp877Val)

Gene: POLD1 (DNA polymerase delta 1, catalytic subunit; plus strand). Cytogenetic location: 19q13.33.
Variant type: single nucleotide variant.
Coding change: c.2630A>T on transcript NM_002691.4 (MANE Select); coding-DNA position 2630, A replaced by T.
Protein change: p.Asp877Val; replaces aspartic acid 877 with valine.
Molecular consequence: missense variant. On other transcripts: non-coding transcript variant (1).
Genome position (GRCh38, 1-based): chr19:50,415,503, A>T. VCF-style: chr19-50415503-A-T. GRCh37 (hg19) VCF-style: chr19-50918760-A-T.
Other names: c.2630A>T, p.Asp877Val (NM_001256849.1, NM_001438212.1, NM_001438213.1); c.2708A>T, p.Asp903Val (NM_001308632.1); c.2558A>T, p.Asp853Val (NM_001438210.1, NM_001438211.1); short protein forms D853V, D877V, D903V.
Identifiers: ClinVar variation 4743472 (VCV004743472.1).

ClinVar aggregate classification (germline): Uncertain significance (1 of 4 stars; one submission).

Conditions:
POLD1-related polyposis and colorectal cancer syndrome (CRCS10). Also called: COLORECTAL CANCER, SUSCEPTIBILITY TO, ON CHROMOSOME 19q; Colorectal cancer 10; Colorectal cancer, susceptibility to, 10. Identifiers: Orphanet 220460, MedGen C2675481, MONDO:0012953, OMIM 612591.

Submission:

Labcorp Genetics (formerly Invitae), Labcorp
Classification: Uncertain significance for POLD1-related polyposis and colorectal cancer syndrome. Last evaluated: 2025-09-12. Review status: criteria provided, single submitter. Criteria: Invitae Variant Classification Sherloc (09022015). Collection method: clinical testing. Allele origin: germline.
Comment: This sequence change replaces aspartic acid, which is acidic and polar, with valine, which is neutral and non-polar, at codon 877 of the POLD1 protein (p.Asp877Val). This variant is not present in population databases (gnomAD no frequency). This variant has not been reported in the literature in individuals affected with POLD1-related conditions. Invitae Evidence Modeling of protein sequence and biophysical properties (such as structural, functional, and spatial information, amino acid conservation, physicochemical variation, residue mobility, and thermodynamic stability) indicates that this missense variant is expected to disrupt POLD1 protein function with a positive predictive value of 80%. In summary, the available evidence is currently insufficient to determine the role of this variant in disease. Therefore, it has been classified as a Variant of Uncertain Significance.